The following is an entry in ClinVar:

NM_000748.3(CHRNB2):c.1244G>C (p.Arg415Pro)

Gene: CHRNB2 (cholinergic receptor nicotinic beta 2 subunit; plus strand). Cytogenetic location: 1q21.3.
Variant type: single nucleotide variant.
Coding change: c.1244G>C on transcript NM_000748.3 (MANE Select); coding-DNA position 1244, G replaced by C.
Protein change: p.Arg415Pro; replaces arginine 415 with proline.
Molecular consequence: missense variant.
Genome position (GRCh38, 1-based): chr1:154,572,067, G>C. VCF-style: chr1-154572067-G-C. GRCh37 (hg19) VCF-style: chr1-154544543-G-C.
Other names: short protein forms R415P.
Identifiers: ClinVar variation 2843034 (VCV002843034.3), dbSNP rs971173003, ClinGen allele CA342631771.

ClinVar aggregate classification (germline): Uncertain significance (1 of 4 stars; one submission).

Conditions:
Familial sleep-related hypermotor epilepsy. Also called: Autosomal Dominant Sleep-Related Hypermotor (Hyperkinetic) Epilepsy. Identifiers: Orphanet 98784, MedGen C3696898, MONDO:0000030.

gnomAD v4.1: 1 of 1,534,986 alleles (0.000065%); highest among the groups gnomAD compares: Non-Finnish European, 0.000087%; no homozygotes.

Submission:

Labcorp Genetics (formerly Invitae), Labcorp
Classification: Uncertain significance. Last evaluated: 2023-06-09. Review status: criteria provided, single submitter. Criteria: Invitae Variant Classification Sherloc (09022015). Collection method: clinical testing. Allele origin: germline.
Comment: This variant is not present in population databases (gnomAD no frequency). This sequence change replaces arginine, which is basic and polar, with proline, which is neutral and non-polar, at codon 415 of the CHRNB2 protein (p.Arg415Pro). This variant has not been reported in the literature in individuals affected with CHRNB2-related conditions. In summary, the available evidence is currently insufficient to determine the role of this variant in disease. Therefore, it has been classified as a Variant of Uncertain Significance. Advanced modeling of protein sequence and biophysical properties (such as structural, functional, and spatial information, amino acid conservation, physicochemical variation, residue mobility, and thermodynamic stability) performed at Invitae indicates that this missense variant is not expected to disrupt CHRNB2 protein function.